The following is an entry in ClinVar:

NM_181503.3(EXOSC8):c.263T>C (p.Leu88Pro)

Gene: EXOSC8 (exosome component 8; plus strand). Cytogenetic location: 13q13.3.
Variant type: single nucleotide variant.
Coding change: c.263T>C on transcript NM_181503.3 (MANE Select); coding-DNA position 263, T replaced by C.
Protein change: p.Leu88Pro; replaces leucine 88 with proline.
Molecular consequence: missense variant.
Genome position (GRCh38, 1-based): chr13:37,005,944, T>C. VCF-style: chr13-37005944-T-C. GRCh37 (hg19) VCF-style: chr13-37580081-T-C.
Other names: short protein forms L88P.
Identifiers: ClinVar variation 1939081 (VCV001939081.5), dbSNP rs746152165, ClinGen allele CA6951175.
Genomic context (GRCh38, chr13:37,005,944, plus strand): 5'-AAGGTTTAGTTCATAGCTGCAGAGTGTTTCTTTCAGTTCCTAATGTGGATCTACCACCCC[T>C]GTGTTCATCGAGATTCCGGTCTGGACCTCCTGGAGAAGAGGCCCAAGTGGCTAGCCAGTT-3'
Protein context (NP_852480.1, residues 78-98): YVVPNVDLPP[Leu88Pro]CSSRFRSGPP

ClinVar aggregate classification (germline): Uncertain significance (1 of 4 stars; one submission).

Allele frequency attached by ClinVar (database versions not stated): gnomAD exomes below 0.00001; TOPMed below 0.00001; ExAC 0.00001.
gnomAD v4.1: 5 of 1,591,396 alleles (0.00031%); highest among the groups gnomAD compares: Admixed American, 0.0068%; no homozygotes.

Submission:

Labcorp Genetics (formerly Invitae), Labcorp
Classification: Uncertain significance. Last evaluated: 2023-12-11. Review status: criteria provided, single submitter. Criteria: Invitae Variant Classification Sherloc (09022015). Collection method: clinical testing. Allele origin: germline.
Comment: This sequence change replaces leucine, which is neutral and non-polar, with proline, which is neutral and non-polar, at codon 88 of the EXOSC8 protein (p.Leu88Pro). This variant is present in population databases (rs746152165, gnomAD 0.009%). This variant has not been reported in the literature in individuals affected with EXOSC8-related conditions. ClinVar contains an entry for this variant (Variation ID: 1939081). Advanced modeling of protein sequence and biophysical properties (such as structural, functional, and spatial information, amino acid conservation, physicochemical variation, residue mobility, and thermodynamic stability) performed at Invitae indicates that this missense variant is expected to disrupt EXOSC8 protein function with a positive predictive value of 80%. In summary, the available evidence is currently insufficient to determine the role of this variant in disease. Therefore, it has been classified as a Variant of Uncertain Significance.